The following is an entry in ClinVar:

NM_000424.4(KRT5):c.1675C>T (p.Arg559Ter)

Gene: KRT5 (keratin 5; minus strand). Cytogenetic location: 12q13.13.
Variant type: single nucleotide variant.
Coding change: c.1675C>T on transcript NM_000424.4 (MANE Select); coding-DNA position 1675, C replaced by T.
Protein change: p.Arg559Ter; replaces arginine 559 with a stop codon.
Molecular consequence: nonsense.
Genome position (GRCh38, 1-based): chr12:52,515,040, G>A on the plus strand (C>T on the coding strand, the complement: KRT5 is on the minus strand). VCF-style: chr12-52515040-G-A. GRCh37 (hg19) VCF-style: chr12-52908824-G-A.
Other names: short protein forms R559*.
Identifiers: ClinVar variation 265219 (VCV000265219.15), dbSNP rs754242209, ClinGen allele CA6582420.

ClinVar aggregate classification (germline): Conflicting classifications of pathogenicity. Review status: criteria provided, conflicting classifications (1 of 4 stars). 3 submissions from 3 submitters: Likely pathogenic (2); Likely benign (1). Last evaluated 2026-08-03.

Conditions:
KRT5-related disorder. Also called: KRT5-related condition.

Allele frequency attached by ClinVar (database versions not stated): ExAC 0.00006; gnomAD exomes 0.00006; gnomAD 0.00009.
gnomAD v4.1: 82 of 1,300,486 alleles (0.0063%); highest among the groups gnomAD compares: Non-Finnish European, 0.0075%; no homozygotes.

Submissions (3):

PreventionGenetics, part of Exact Sciences
Classification: Likely pathogenic for KRT5-related condition. Last evaluated: 2026-08-03. Review status: criteria provided, single submitter. Criteria: ACMG Guidelines, 2015. Collection method: clinical testing. Allele origin: germline.
Comment: The KRT5 c.1675C>T variant is predicted to result in premature protein termination (p.Arg559*). The c.1675C>T variant is located in the last exon of KRT5 and may not result in nonsense-mediated decay. Other frameshift variants reported in this last exon have been reported with autosomal dominant inheritance, but many of them result in amino acid substitutions and extension of the protein (Yalici-Armagan. 2020. PubMed ID: 31965605; Kim. 2017. PubMed ID: 28561874). This variant is reported in 0.011% of alleles in individuals of European (Non-Finnish) descent in gnomAD. We interpret this variant this variant as likely pathogenic.

GeneDx
Classification: Likely pathogenic. Last evaluated: 2025-12-03. Review status: criteria provided, single submitter. Criteria: GeneDx Variant Classification Process June 2021. Collection method: clinical testing. Allele origin: germline. Affected: yes.
Comment: Identified in the heterozygous state in a patient with localized EBS in published literature (PMID: 21877134); Nonsense variant predicted to result in protein truncation, as the last 32 amino acids are lost; This variant is associated with the following publications: (PMID: 31589614, 21877134)

Labcorp Genetics (formerly Invitae), Labcorp
Classification: Likely benign. Last evaluated: 2017-07-12. Review status: criteria provided, single submitter. Criteria: Invitae Variant Classification Sherloc (09022015). Collection method: clinical testing. Allele origin: germline.